The following is an entry in ClinVar:

NM_001005361.3(DNM2):c.18G>A (p.Met6Ile)

Genes: DNM2 (dynamin 2; plus strand), LOC130063529 (ATAC-STARR-seq lymphoblastoid silent region 10090; plus strand). Cytogenetic location: 19p13.2.
Variant type: single nucleotide variant.
Coding change: c.18G>A on transcript NM_001005361.3 (MANE Select); coding-DNA position 18, G replaced by A.
Protein change: p.Met6Ile; replaces methionine 6 with isoleucine.
Molecular consequence: missense variant.
Genome position (GRCh38, 1-based): chr19:10,718,260, G>A. VCF-style: chr19-10718260-G-A. GRCh37 (hg19) VCF-style: chr19-10828936-G-A.
Other names: c.18G>A, p.Met6Ile (NM_001190716.2, NM_004945.4, NM_001005360.3 and 1 more transcripts); short protein forms M6I.
Identifiers: ClinVar variation 4535281 (VCV004535281.6).

ClinVar aggregate classification (germline): Uncertain significance (1 of 4 stars; one submission).

Submission:

CeGaT Center for Human Genetics Tuebingen
Classification: Uncertain significance. Last evaluated: 2025-11-01. Review status: criteria provided, single submitter. Criteria: CeGaT Center For Human Genetics Tuebingen Variant Classification Criteria Version 2. Collection method: clinical testing. Allele origin: germline. Affected: yes. Observed: 1 variant allele.
Comment: DNM2: PM2, PP3